The following is an entry in ClinVar:

ClinVar aggregate classification (germline): Uncertain significance (1 of 4 stars; one submission).

gnomAD v4.1: 61 of 1,550,374 alleles (0.0039%); highest among the groups gnomAD compares: Non-Finnish European, 0.0052%; no homozygotes.

Submission:

GeneDx
Classification: Uncertain significance. Last evaluated: 2026-02-10. Review status: criteria provided, single submitter. Criteria: GeneDx Variant Classification Process June 2021. Collection method: clinical testing. Allele origin: germline.
Comment: In silico analysis suggests that this missense variant does not alter protein structure/function; Has not been previously published as pathogenic or benign to our knowledge

NM_001292063.2(OTOG):c.4781T>A (p.Ile1594Asn)

Gene: OTOG (otogelin; plus strand). Cytogenetic location: 11p15.1.
Variant type: single nucleotide variant.
Coding change: c.4781T>A on transcript NM_001292063.2 (MANE Select); coding-DNA position 4781, T replaced by A.
Protein change: p.Ile1594Asn; replaces isoleucine 1594 with asparagine.
Molecular consequence: missense variant.
Genome position (GRCh38, 1-based): chr11:17,610,081, T>A. VCF-style: chr11-17610081-T-A. GRCh37 (hg19) VCF-style: chr11-17631628-T-A.
Other names: c.4817T>A, p.Ile1606Asn (NM_001277269.2); short protein forms I1594N, I1606N.
Identifiers: ClinVar variation 3342877 (VCV003342877.2).